The following is an entry in ClinVar:

NM_000540.3(RYR1):c.10378G>A (p.Val3460Ile)

Gene: RYR1 (ryanodine receptor 1; plus strand). Cytogenetic location: 19q13.2.
Variant type: single nucleotide variant.
Coding change: c.10378G>A on transcript NM_000540.3 (MANE Select); coding-DNA position 10378, G replaced by A.
Protein change: p.Val3460Ile; replaces valine 3460 with isoleucine.
Molecular consequence: missense variant.
Genome position (GRCh38, 1-based): chr19:38,523,247, G>A. VCF-style: chr19-38523247-G-A. GRCh37 (hg19) VCF-style: chr19-39013887-G-A.
Other names: c.10378G>A, p.Val3460Ile (NM_001042723.2); short protein forms V3460I.
Identifiers: ClinVar variation 3071584 (VCV003071584.1), dbSNP rs2514463907, ClinGen allele CA405699544.

ClinVar aggregate classification (germline): Uncertain significance (1 of 4 stars; one submission).

Conditions:
Malignant hyperthermia, susceptibility to, 1 (MHS1). Also called: Anesthesia related hyperthermia; Malignant hyperpyrexia; Fulminating hyperpyrexia; Pharmacogenic myopathy; RYR1-Related Malignant Hyperthermia Susceptibility; Malignant hyperthermia suceptibility 1. Identifiers: Orphanet 423, MedGen C2930980, MONDO:0007783, OMIM 145600.

Submission:

All of Us Research Program, National Institutes of Health
Classification: Uncertain significance for Malignant hyperthermia, susceptibility to, 1. Last evaluated: 2023-06-08. Review status: criteria provided, single submitter. Criteria: ACMG Guidelines, 2015. Collection method: clinical testing. Allele origin: germline. Inheritance: Autosomal dominant inheritance. Observed: 1 variant allele, 1 heterozygote.
Comment: This missense variant replaces valine with isoleucine at codon 3460 of the RYR1 protein. Computational prediction suggests that this variant may not impact protein structure and function (internally defined REVEL score threshold <= 0.5, PMID: 27666373). To our knowledge, functional studies have not been reported for this variant. This variant has not been reported in individuals affected with RYR1-related disorders in the literature. This variant has not been identified in the general population by the Genome Aggregation Database (gnomAD). The available evidence is insufficient to determine the role of this variant in disease conclusively. Therefore, this variant is classified as a Variant of Uncertain Significance.

This study involves interpretation of variants in research participants for the purpose of population health screening. Participant phenotype was not available at the time of variant classification. Additional details can be found in publication PMID: 35346344, PMCID: PMC8962531